The following is an entry in ClinVar:

NM_001318510.2(ACSL4):c.-12-7T>G

Gene: ACSL4 (acyl-CoA synthetase long chain family member 4; minus strand). Cytogenetic location: Xq23.
Variant type: single nucleotide variant.
Coding change: c.-12-7T>G on transcript NM_001318510.2 (MANE Select); 7 bases into the intron before 12 bases upstream of the start codon, T replaced by G.
Molecular consequence: intron variant. On other transcripts: missense variant (2).
Genome position (GRCh38, 1-based): chrX:109,683,382, A>C on the plus strand (T>G on the coding strand, the complement: ACSL4 is on the minus strand). VCF-style: chrX-109683382-A-C. GRCh37 (hg19) VCF-style: chrX-108926611-A-C.
Other names: c.105T>G, p.Asn35Lys (NM_001318509.2, NM_022977.3); c.-9-10T>G (NM_004458.3); short protein forms N35K.
Identifiers: ClinVar variation 3360064 (VCV003360064.1).

ClinVar aggregate classification (germline): Uncertain significance (1 of 4 stars; one submission).

Submission:

GeneDx
Classification: Uncertain significance. Last evaluated: 2023-06-16. Review status: criteria provided, single submitter. Criteria: GeneDx Variant Classification Process June 2021. Collection method: clinical testing. Allele origin: germline. Affected: yes.
Comment: Not observed at significant frequency in large population cohorts (gnomAD); In silico analysis supports a deleterious effect on splicing; Has not been previously published as pathogenic or benign to our knowledge